The following is an entry in ClinVar:

ClinVar aggregate classification (germline): Uncertain significance (1 of 4 stars; one submission).

gnomAD v4.1: 1 of 1,614,100 alleles (0.000062%); highest among the groups gnomAD compares: Non-Finnish European, 0.000085%; no homozygotes.

Submission:

Ambry Genetics
Classification: Uncertain significance. Last evaluated: 2024-11-18. Review status: criteria provided, single submitter. Criteria: Ambry Variant Classification Scheme 2023. Collection method: clinical testing. Allele origin: germline.
Comment: The p.Q412H variant (also known as c.1236G>C), located in coding exon 8 of the ATRIP gene, results from a G to C substitution at nucleotide position 1236. The glutamine at codon 412 is replaced by histidine, an amino acid with highly similar properties. This amino acid position is conserved. In addition, this alteration is predicted to be tolerated by in silico analysis. Based on the available evidence, the clinical significance of this variant remains unclear.

NM_130384.3(ATRIP):c.1236G>C (p.Gln412His)

Genes: ATRIP (ATR interacting protein; plus strand), ATRIP-TREX1 (ATRIP-TREX1 readthrough; plus strand). Cytogenetic location: 3p21.31.
Variant type: single nucleotide variant.
Coding change: c.1236G>C on transcript NM_130384.3 (MANE Select); coding-DNA position 1236, G replaced by C.
Protein change: p.Gln412His; replaces glutamine 412 with histidine.
Molecular consequence: missense variant. On other transcripts: non-coding transcript variant (1).
Genome position (GRCh38, 1-based): chr3:48,460,290, G>C. VCF-style: chr3-48460290-G-C. GRCh37 (hg19) VCF-style: chr3-48501689-G-C.
Other names: c.855G>C, p.Gln285His (NM_001271022.2); c.957G>C, p.Gln319His (NM_001271023.2); c.1236G>C, p.Gln412His (NM_032166.4); short protein forms Q319H, Q285H, Q412H.
Identifiers: ClinVar variation 3463966 (VCV003463966.1).